The following is an entry in ClinVar:

NM_000059.4(BRCA2):c.5101C>T (p.Gln1701Ter)

Gene: BRCA2 (BRCA2 DNA repair associated; plus strand). Cytogenetic location: 13q13.1.
Variant type: single nucleotide variant.
Coding change: c.5101C>T on transcript NM_000059.4 (MANE Select); coding-DNA position 5101, C replaced by T.
Protein change: p.Gln1701Ter; replaces glutamine 1701 with a stop codon.
Molecular consequence: nonsense.
Genome position (GRCh38, 1-based): chr13:32,339,456, C>T. VCF-style: chr13-32339456-C-T. GRCh37 (hg19) VCF-style: chr13-32913593-C-T.
Other names: Q1701X (5329C>T); short protein forms Q1701*.
Identifiers: ClinVar variation 51767 (VCV000051767.25), dbSNP rs397507758, ClinGen allele CA021256.

ClinVar aggregate classification (germline): Pathogenic. Review status: reviewed by expert panel (3 of 4 stars). 10 submissions from 10 submitters: Pathogenic (1). 9 of the submissions do not count toward it. Last evaluated 2016-10-18.

Conditions:
Hereditary cancer-predisposing syndrome. Also called: Tumor predisposition; Neoplastic Syndromes, Hereditary; Hereditary Cancer Syndrome; Hereditary neoplastic syndrome. Identifiers: Orphanet 140162, MedGen C0027672, MeSH D009386, MONDO:0015356.
Hereditary breast ovarian cancer syndrome. Also called: Hereditary breast and ovarian cancer syndrome (HBOC); Hereditary breast and ovarian cancer syndrome; Hereditary breast and ovarian cancer; Hereditary breast and/or ovarian cancer syndrome; Breast and ovarian cancer; BRCA1- and BRCA2-Associated Hereditary Breast and Ovarian Cancer. Identifiers: Orphanet 145, MedGen C0677776, MeSH D061325, MONDO:0003582. Disease mechanism: loss of function.
Breast-ovarian cancer, familial, susceptibility to, 2 (BROVCA2). Also called: BRCA2 Hereditary Breast and Ovarian Cancer. Identifiers: Orphanet 145, MedGen C2675520, MONDO:0012933, OMIM 612555. Disease mechanism: loss of function.
Breast-ovarian cancer, familial, susceptibility to, 1 (BROVCA1). Also called: OVARIAN CANCER, SUSCEPTIBILITY TO; BRCA1 Hereditary Breast and Ovarian Cancer. Identifiers: Orphanet 145, MedGen C2676676, MONDO:0011450, OMIM 604370. Disease mechanism: loss of function.
Familial cancer of breast. Also called: Hereditary breast cancer; hereditary breast carcinoma; BREAST CANCER, FAMILIAL. Identifiers: Orphanet 227535, MedGen C0346153, MONDO:0016419, OMIM 114480. Disease mechanism: loss of function.

Submissions (10):

Evidence-based Network for the Interpretation of Germline Mutant Alleles (ENIGMA)
Classification: Pathogenic for Breast-ovarian cancer, familial, susceptibility to, 2. Last evaluated: 2016-10-18. Review status: reviewed by expert panel. Criteria: ENIGMA BRCA1/2 Classification Criteria (2015). Collection method: curation. Allele origin: germline.
Comment: Variant allele predicted to encode a truncated non-functional protein.

Labcorp Genetics (formerly Invitae), Labcorp
Classification: Pathogenic for Hereditary breast ovarian cancer syndrome. Last evaluated: 2025-11-27. Review status: criteria provided, single submitter. Criteria: Invitae Variant Classification Sherloc (09022015). Collection method: clinical testing. Allele origin: germline. Not counted in ClinVar's aggregate classification.
Comment: This sequence change creates a premature translational stop signal (p.Gln1701*) in the BRCA2 gene. It is expected to result in an absent or disrupted protein product. Loss-of-function variants in BRCA2 are known to be pathogenic (PMID: 20104584). This variant is not present in population databases (gnomAD no frequency). This premature translational stop signal has been observed in individual(s) with breast and/or ovarian cancer (PMID: 22923021, 29446198). This variant is also known as c.5329C>T. ClinVar contains an entry for this variant (Variation ID: 51767). For these reasons, this variant has been classified as Pathogenic.

Ambry Genetics
Classification: Pathogenic for Hereditary cancer-predisposing syndrome. Last evaluated: 2025-04-02. Review status: criteria provided, single submitter. Criteria: Ambry Variant Classification Scheme 2023. Collection method: clinical testing. Allele origin: germline. Not counted in ClinVar's aggregate classification.
Comment: The p.Q1701* pathogenic mutation (also known as c.5101C>T), located in coding exon 10 of the BRCA2 gene, results from a C to T substitution at nucleotide position 5101. This changes the amino acid from a glutamine to a stop codon within coding exon 10. This mutation has been reported in multiple hereditary breast and ovarian cancer families (Novakovi S et al. Int. J. Oncol., 2012 Nov;41:1619-27; Rebbeck TR et al. Hum. Mutat., 2018 05;39:593-620). This variant is considered to be rare based on population cohorts in the Genome Aggregation Database (gnomAD). In addition to the clinical data presented in the literature, this alteration is expected to result in loss of function by premature protein truncation or nonsense-mediated mRNA decay. As such, this alteration is interpreted as a disease-causing mutation.

GeneDx
Classification: Pathogenic. Last evaluated: 2024-12-16. Review status: criteria provided, single submitter. Criteria: GeneDx Variant Classification Process June 2021. Collection method: clinical testing. Allele origin: germline. Affected: yes. Not counted in ClinVar's aggregate classification.
Comment: Nonsense variant predicted to result in protein truncation or nonsense mediated decay in a gene for which loss-of-function is a known mechanism of disease; Observed in individuals with a personal or family history consistent with pathogenic variants in this gene (PMID: 22923021, 23397983, 28740454); Not observed at significant frequency in large population cohorts (gnomAD); Truncating variants in this gene are considered pathogenic by a well-established clinical consortium and/or database; Also known as c.5329C>T; This variant is associated with the following publications: (PMID: 29446198, 23397983, 22923021, 28740454)

Quest Diagnostics Nichols Institute San Juan Capistrano
Classification: Pathogenic. Last evaluated: 2023-02-20. Review status: criteria provided, single submitter. Criteria: Quest Diagnostics criteria. Collection method: clinical testing. Allele origin: unknown. Not counted in ClinVar's aggregate classification.
Comment: This nonsense variant causes the premature termination of BRCA2 protein synthesis. It has not been reported in large, multi-ethnic general populations. In the published literature, the variant has been reported in individuals affected with breast/ovarian cancer (PMID: 22923021 (2012), 28740454 (2017)). Based on the available information, this variant is classified as pathogenic.

Baylor Genetics
Classification: Pathogenic for Familial cancer of breast. Last evaluated: 2022-12-14. Review status: criteria provided, single submitter. Criteria: ACMG Guidelines, 2015. Collection method: clinical testing. Allele origin: unknown. Not counted in ClinVar's aggregate classification.

Department of Molecular Diagnostics, Institute of Oncology Ljubljana
Classification: Pathogenic for Breast-ovarian cancer, familial, susceptibility to, 1. Last evaluated: 2020-04-02. Review status: criteria provided, single submitter. Criteria: ACMG Guidelines, 2015. Collection method: clinical testing. Allele origin: germline. Affected: yes. Not counted in ClinVar's aggregate classification.

Women's Health and Genetics/Laboratory Corporation of America, LabCorp
Classification: Pathogenic for Hereditary breast and ovarian cancer syndrome. Last evaluated: 2018-01-19. Review status: criteria provided, single submitter. Criteria: LabCorp Variant Classification Summary - May 2015. Collection method: clinical testing. Allele origin: germline. Not counted in ClinVar's aggregate classification.
Comment: Variant summary: The BRCA2 c.5101C>T (p.Gln1701X) variant results in a premature termination codon, predicted to cause a truncated or absent BRCA2 protein due to nonsense mediated decay, which are commonly known mechanisms for disease. One in silico tool predicts a damaging outcome for this variant. Truncations downstream of this position have been classified as pathogenic by our laboratory (e.g. c.5130_5133delTGTA (p.Tyr1710fsX1), c.5715dupT( p.Asn1906X), c.5721dupT( p.Leu1908fsX3), etc.). This variant is absent in 227246 control chromosomes. It has been reported in at least two affected individuals (Novakovic 2012). In addition, multiple clinical diagnostic laboratories/reputable databases classified this variant as pathogenic. Taken together, this variant is classified as pathogenic.

Consortium of Investigators of Modifiers of BRCA1/2 (CIMBA), c/o University of Cambridge
Classification: Pathogenic for Breast-ovarian cancer, familial, susceptibility to, 2. Last evaluated: 2015-10-02. Review status: criteria provided, single submitter. Criteria: CIMBA Mutation Classification guidelines May 2016. Collection method: clinical testing. Allele origin: germline. Not counted in ClinVar's aggregate classification.

Department of Pathology and Laboratory Medicine, Sinai Health System
Classification: Pathogenic. Review status: no assertion criteria provided. Collection method: clinical testing. Allele origin: unknown. Affected: yes. Observed: 1 variant allele. Study: The Canadian Open Genetics Repository (COGR). Not counted in ClinVar's aggregate classification.
Comment: The BRCA2 p.Gln1701X variant was identified in two of 379 Slovene hereditary breast and ovarian cancer families (Novakovic 2012), and in HGMD. The p.Gln1701X variant leads to a premature stop codon at position 1701, which is predicted to lead to a truncated or absent protein and loss of function. Loss of function variants of the BRCA2 gene are an established mechanism of disease in hereditary breast and ovarian cancer and is the type of variant expected to cause the disorder. In summary, based on the above information, this variant meets our laboratoryâ€šÃ„Ã´s criteria to be classified as pathogenic.

Literature cited by the submitters: PubMed 20104584 (cited by Labcorp Genetics (formerly Invitae), Labcorp); PubMed 22923021 (cited by 4 submitters); PubMed 29446198 (cited by Labcorp Genetics (formerly Invitae), Labcorp and Ambry Genetics); PubMed 23397983 (cited by 3 submitters); PubMed 24312913 (cited by 3 submitters); PubMed 28740454 (cited by Ambry Genetics and Quest Diagnostics Nichols Institute San Juan Capistrano); PubMed 31209999 (cited by Ambry Genetics and Quest Diagnostics Nichols Institute San Juan Capistrano).